The following is an entry in ClinVar:

ClinVar aggregate classification (germline): Uncertain significance (1 of 4 stars; one submission).

Submission:

CeGaT Center for Human Genetics Tuebingen
Classification: Uncertain significance. Last evaluated: 2024-01-01. Review status: criteria provided, single submitter. Criteria: CeGaT Center For Human Genetics Tuebingen Variant Classification Criteria Version 2. Collection method: clinical testing. Allele origin: germline. Affected: yes. Observed: 1 variant allele.
Comment: HYDIN: PM2:Supporting

NM_001270974.2(HYDIN):c.1267G>A (p.Val423Met)

Gene: HYDIN (HYDIN axonemal central pair apparatus protein; minus strand). Cytogenetic location: 16q22.2.
Variant type: single nucleotide variant.
Coding change: c.1267G>A on transcript NM_001270974.2 (MANE Select); coding-DNA position 1267, G replaced by A.
Protein change: p.Val423Met; replaces valine 423 with methionine.
Molecular consequence: missense variant.
Genome position (GRCh38, 1-based): chr16:71,115,756, C>T on the plus strand (G>A on the coding strand, the complement: HYDIN is on the minus strand). VCF-style: chr16-71115756-C-T. GRCh37 (hg19) VCF-style: chr16-71149659-C-T.
Other names: c.1348G>A, p.Val450Met (NM_001198542.1); c.1318G>A, p.Val440Met (NM_001198543.1); c.1267G>A, p.Val423Met (NM_017558.5); short protein forms V423M, V440M, V450M.
Identifiers: ClinVar variation 3025093 (VCV003025093.22), dbSNP rs552008331, ClinGen allele CA8151381.
Genomic context (GRCh38, chr16:71,115,756, plus strand): 5'-CTAAAATGTCGCAGTAAATGGTCTGTTGATAGAGCTTGGCTTCTAGTGGGTTAAAGTACA[C>T]GGTGATTTCAGCTGATGAGTTGGGCCAGACATCACCTTCCTGAAAAACATGAAAGAATCA-3'
Protein context (NP_001257903.1, residues 413-433): VWPNSSAEIT[Val423Met]YFNPLEAKLY